The following is an entry in ClinVar:

NM_001040108.2(MLH3):c.795T>C (p.His265=)

Gene: MLH3 (mutL homolog 3; minus strand). Cytogenetic location: 14q24.3.
Variant type: single nucleotide variant.
Coding change: c.795T>C on transcript NM_001040108.2 (MANE Select); coding-DNA position 795, T replaced by C.
Protein change: p.His265=; no amino-acid change (histidine 265 retained).
Molecular consequence: synonymous variant.
Genome position (GRCh38, 1-based): chr14:75,048,861, A>G on the plus strand (T>C on the coding strand, the complement: MLH3 is on the minus strand). VCF-style: chr14-75048861-A-G. GRCh37 (hg19) VCF-style: chr14-75515564-A-G.
Other names: c.795T>C, p.His265= (NM_014381.3).
Identifiers: ClinVar variation 2625670 (VCV002625670.3), dbSNP rs2503316486, ClinGen allele CA487274136.

ClinVar aggregate classification (germline): Benign/Likely benign. Review status: criteria provided, multiple submitters, no conflicts (2 of 4 stars). 2 submissions from 2 submitters: Benign (1); Likely benign (1). Last evaluated 2026-04-29.

Conditions:
Colorectal cancer, hereditary nonpolyposis, type 7. Identifiers: Orphanet 144, MedGen C1858380, MONDO:0013725, OMIM 614385.

gnomAD v4.1: 1 of 1,614,096 alleles (0.000062%); highest among the groups gnomAD compares: Non-Finnish European, 0.000085%; no homozygotes.

Submissions (2):

Myriad Genetics, Inc.
Classification: Benign for Colorectal cancer, hereditary nonpolyposis, type 7. Last evaluated: 2026-04-29. Review status: criteria provided, single submitter. Criteria: Myriad Autosomal Dominant, Autosomal Recessive and X-Linked Classification Criteria (2023). Collection method: clinical testing. Allele origin: unknown.
Comment: This variant is considered benign. This variant is a silent/synonymous amino acid change and it is not expected to impact splicing.

Ambry Genetics
Classification: Likely benign. Last evaluated: 2023-08-29. Review status: criteria provided, single submitter. Criteria: Ambry Variant Classification Scheme 2023. Collection method: clinical testing. Allele origin: germline.